The following is an entry in ClinVar:

ClinVar aggregate classification (germline): Likely benign (0 of 4 stars; one submission).

Conditions:
FAT4-related disorder. Also called: FAT4-related condition.

Allele frequency attached by ClinVar (database versions not stated): gnomAD exomes below 0.00001; ExAC 0.00001.
gnomAD v4.1: 3 of 1,614,156 alleles (0.00019%); highest among the groups gnomAD compares: East Asian, 0.0022%; no homozygotes.

Submission:

PreventionGenetics, part of Exact Sciences
Classification: Likely benign for FAT4-related condition. Last evaluated: 2023-12-31. Review status: no assertion criteria provided. Collection method: clinical testing. Allele origin: germline.
Comment: This variant is classified as likely benign based on ACMG/AMP sequence variant interpretation guidelines (Richards et al. 2015 PMID: 25741868, with internal and published modifications).

NM_001291303.3(FAT4):c.9474A>G (p.Leu3158=)

Gene: FAT4 (FAT atypical cadherin 4; plus strand). Cytogenetic location: 4q28.1.
Variant type: single nucleotide variant.
Coding change: c.9474A>G on transcript NM_001291303.3 (MANE Select); coding-DNA position 9474, A replaced by G.
Protein change: p.Leu3158=; no amino-acid change (leucine 3158 retained).
Molecular consequence: synonymous variant.
Genome position (GRCh38, 1-based): chr4:125,450,484, A>G. VCF-style: chr4-125450484-A-G. GRCh37 (hg19) VCF-style: chr4-126371639-A-G.
Other names: c.9474A>G, p.Leu3158= (NM_001291285.3); c.9468A>G, p.Leu3156= (NM_024582.6).
Identifiers: ClinVar variation 3032727 (VCV003032727.2), dbSNP rs780508167, ClinGen allele CA3073530.
Genomic context (GRCh38, chr4:125,450,484, plus strand): 5'-TTTTGCAATCAATTCTTCTACAGGTATATTAACACTAGCCAAAGCTCTTGATTATGAGCT[A>G]TGCCAGAAACACGAAATGACGATTAGTGCTATAGATGGAGGATGGGTTGCAAGAACTGGT-3'
Protein context (NP_001278232.1, residues 3148-3168): LTLAKALDYE[Leu3158=]CQKHEMTISA